The following is an entry in ClinVar:

ClinVar aggregate classification (germline): Uncertain significance. Review status: criteria provided, multiple submitters, no conflicts (2 of 4 stars). 2 submissions from 2 submitters: Uncertain significance (2). Last evaluated 2025-04-28.

Conditions:
DICER1-related tumor predisposition. Also called: DICER1 syndrome; DICER1-related pleuropulmonary blastoma cancer predisposition syndrome. Identifiers: Orphanet 284343, MedGen C3839822, MONDO:0100216.
Hereditary cancer-predisposing syndrome. Also called: Hereditary neoplastic syndrome; Neoplastic Syndromes, Hereditary; Hereditary Cancer Syndrome; Tumor predisposition. Identifiers: Orphanet 140162, MedGen C0027672, MeSH D009386, MONDO:0015356.

Allele frequency attached by ClinVar (database versions not stated): gnomAD exomes below 0.00001.
gnomAD v4.1: 2 of 1,614,124 alleles (0.00012%); highest among the groups gnomAD compares: Non-Finnish European, 0.000085%; no homozygotes.

Submissions (2):

Ambry Genetics
Classification: Uncertain significance for Hereditary cancer-predisposing syndrome. Last evaluated: 2025-04-28. Review status: criteria provided, single submitter. Criteria: Ambry Variant Classification Scheme 2023. Collection method: clinical testing. Allele origin: germline.
Comment: The p.Y614C variant (also known as c.1841A>G), located in coding exon 10 of the DICER1 gene, results from an A to G substitution at nucleotide position 1841. The tyrosine at codon 614 is replaced by cysteine, an amino acid with highly dissimilar properties. This amino acid position is conserved. In addition, the in silico prediction for this alteration is inconclusive. Based on the available evidence, the clinical significance of this variant remains unclear.

Labcorp Genetics (formerly Invitae), Labcorp
Classification: Uncertain significance for DICER1-related tumor predisposition. Last evaluated: 2024-12-05. Review status: criteria provided, single submitter. Criteria: Invitae Variant Classification Sherloc (09022015). Collection method: clinical testing. Allele origin: germline.
Comment: This sequence change replaces tyrosine, which is neutral and polar, with cysteine, which is neutral and slightly polar, at codon 614 of the DICER1 protein (p.Tyr614Cys). This variant is not present in population databases (gnomAD no frequency). This variant has not been reported in the literature in individuals affected with DICER1-related conditions. ClinVar contains an entry for this variant (Variation ID: 1387548). Invitae Evidence Modeling of protein sequence and biophysical properties (such as structural, functional, and spatial information, amino acid conservation, physicochemical variation, residue mobility, and thermodynamic stability) has been performed for this missense variant. However, the output from this modeling did not meet the statistical confidence thresholds required to predict the impact of this variant on DICER1 protein function. In summary, the available evidence is currently insufficient to determine the role of this variant in disease. Therefore, it has been classified as a Variant of Uncertain Significance.

NM_177438.3(DICER1):c.1841A>G (p.Tyr614Cys)

Gene: DICER1 (dicer 1, ribonuclease III; minus strand). Cytogenetic location: 14q32.13.
Variant type: single nucleotide variant.
Coding change: c.1841A>G on transcript NM_177438.3 (MANE Select); coding-DNA position 1841, A replaced by G.
Protein change: p.Tyr614Cys; replaces tyrosine 614 with cysteine.
Molecular consequence: missense variant.
Genome position (GRCh38, 1-based): chr14:95,115,733, T>C on the plus strand (A>G on the coding strand, the complement: DICER1 is on the minus strand). VCF-style: chr14-95115733-T-C. GRCh37 (hg19) VCF-style: chr14-95582070-T-C.
Other names: c.1841A>G, p.Tyr614Cys (NM_001195573.1, NM_001271282.3, NM_001291628.2 and 1 more transcripts); c.1841A>G (NM_177438.2); short protein forms Y614C.
Identifiers: ClinVar variation 1387548 (VCV001387548.10), dbSNP rs2140113430, ClinGen allele CA390884013.